The following is an entry in ClinVar:

ClinVar aggregate classification (germline): Uncertain significance (1 of 4 stars; one submission).

gnomAD v4.1: 20 of 1,614,026 alleles (0.0012%); highest among the groups gnomAD compares: East Asian, 0.0022%; no homozygotes.

Submission:

Labcorp Genetics (formerly Invitae), Labcorp
Classification: Uncertain significance. Last evaluated: 2024-11-18. Review status: criteria provided, single submitter. Criteria: Invitae Variant Classification Sherloc (09022015). Collection method: clinical testing. Allele origin: germline.
Comment: This sequence change replaces alanine, which is neutral and non-polar, with valine, which is neutral and non-polar, at codon 318 of the CACNA1D protein (p.Ala318Val). This variant is present in population databases (rs755537392, gnomAD 0.006%). This variant has not been reported in the literature in individuals affected with CACNA1D-related conditions. Invitae Evidence Modeling of protein sequence and biophysical properties (such as structural, functional, and spatial information, amino acid conservation, physicochemical variation, residue mobility, and thermodynamic stability) indicates that this missense variant is not expected to disrupt CACNA1D protein function with a negative predictive value of 80%. In summary, the available evidence is currently insufficient to determine the role of this variant in disease. Therefore, it has been classified as a Variant of Uncertain Significance.

NM_001128840.3(CACNA1D):c.953C>T (p.Ala318Val)

Gene: CACNA1D (calcium voltage-gated channel subunit alpha1 D; plus strand). Cytogenetic location: 3p21.1.
Variant type: single nucleotide variant.
Coding change: c.953C>T on transcript NM_001128840.3 (MANE Select); coding-DNA position 953, C replaced by T.
Protein change: p.Ala318Val; replaces alanine 318 with valine.
Molecular consequence: missense variant.
Genome position (GRCh38, 1-based): chr3:53,666,372, C>T. VCF-style: chr3-53666372-C-T. GRCh37 (hg19) VCF-style: chr3-53700399-C-T.
Other names: c.953C>T, p.Ala318Val (NM_000720.4, NM_001128839.3); short protein forms A318V.
Identifiers: ClinVar variation 3717469 (VCV003717469.2).